The following is an entry in ClinVar:

NM_018136.5(ASPM):c.2659T>G (p.Leu887Val)

Gene: ASPM (assembly factor for spindle microtubules; minus strand). Cytogenetic location: 1q31.3.
Variant type: single nucleotide variant.
Coding change: c.2659T>G on transcript NM_018136.5 (MANE Select); coding-DNA position 2659, T replaced by G.
Protein change: p.Leu887Val; replaces leucine 887 with valine.
Molecular consequence: missense variant.
Genome position (GRCh38, 1-based): chr1:197,129,288, A>C on the plus strand (T>G on the coding strand, the complement: ASPM is on the minus strand). VCF-style: chr1-197129288-A-C. GRCh37 (hg19) VCF-style: chr1-197098418-A-C.
Other names: c.2659T>G, p.Leu887Val (NM_001206846.2); short protein forms L887V.
Identifiers: ClinVar variation 2123493 (VCV002123493.4), dbSNP rs772529394, ClinGen allele CA344049480.

ClinVar aggregate classification (germline): Uncertain significance (1 of 4 stars; one submission).

gnomAD v4.1: 3 of 1,613,220 alleles (0.00019%); highest among the groups gnomAD compares: Non-Finnish European, 0.00025%; no homozygotes.

Submission:

Labcorp Genetics (formerly Invitae), Labcorp
Classification: Uncertain significance. Last evaluated: 2023-07-17. Review status: criteria provided, single submitter. Criteria: Invitae Variant Classification Sherloc (09022015). Collection method: clinical testing. Allele origin: germline.
Comment: In summary, the available evidence is currently insufficient to determine the role of this variant in disease. Therefore, it has been classified as a Variant of Uncertain Significance. This sequence change replaces leucine, which is neutral and non-polar, with valine, which is neutral and non-polar, at codon 887 of the ASPM protein (p.Leu887Val). This variant is not present in population databases (gnomAD no frequency). This variant has not been reported in the literature in individuals affected with ASPM-related conditions. ClinVar contains an entry for this variant (Variation ID: 2123493). Advanced modeling of protein sequence and biophysical properties (such as structural, functional, and spatial information, amino acid conservation, physicochemical variation, residue mobility, and thermodynamic stability) performed at Invitae indicates that this missense variant is not expected to disrupt ASPM protein function.